The following is an entry in ClinVar:

NM_002471.4(MYH6):c.1507A>G (p.Lys503Glu)

Gene: MYH6 (myosin heavy chain 6; minus strand). Cytogenetic location: 14q11.2.
Variant type: single nucleotide variant.
Coding change: c.1507A>G on transcript NM_002471.4 (MANE Select); coding-DNA position 1507, A replaced by G.
Protein change: p.Lys503Glu; replaces lysine 503 with glutamic acid.
Molecular consequence: missense variant.
Genome position (GRCh38, 1-based): chr14:23,400,330, T>C on the plus strand (A>G on the coding strand, the complement: MYH6 is on the minus strand). VCF-style: chr14-23400330-T-C. GRCh37 (hg19) VCF-style: chr14-23869539-T-C.
Other names: c.1507A>G (NM_002471.3); short protein forms K503E.
Identifiers: ClinVar variation 1677846 (VCV001677846.2), dbSNP rs773800447, ClinGen allele CA7115791.
Genomic context (GRCh38, chr14:23,400,330, plus strand): 5'-CAATGCAGGCCTGCAGGTCCATGCCAAAGTCAATGAATGTCCACTCAATGCCCTCCTTCT[T>C]GTACTCCTCCTGCTCCAGCACGAACATGTGGTGGTTGAAGAACTGCTGCAGCTTCTCGTT-3'
Protein context (NP_002462.2, residues 493-513): HMFVLEQEEY[Lys503Glu]KEGIEWTFID

ClinVar aggregate classification (germline): Uncertain significance. Review status: criteria provided, multiple submitters, no conflicts (2 of 4 stars). 2 submissions from 2 submitters: Uncertain significance (2). Last evaluated 2024-06-09.

Conditions:
Cardiovascular phenotype. Identifiers: MedGen CN230736.

Allele frequency attached by ClinVar (database versions not stated): ExAC 0.00001; gnomAD exomes 0.00001.
gnomAD v4.1: 6 of 1,614,188 alleles (0.00037%); highest among the groups gnomAD compares: South Asian, 0.0066%; no homozygotes.

Submissions (2):

Ambry Genetics
Classification: Uncertain significance for Cardiovascular phenotype. Last evaluated: 2024-06-09. Review status: criteria provided, single submitter. Criteria: Ambry Variant Classification Scheme 2023. Collection method: clinical testing. Allele origin: germline.
Comment: The p.K503E variant (also known as c.1507A>G), located in coding exon 12 of the MYH6 gene, results from an A to G substitution at nucleotide position 1507. The lysine at codon 503 is replaced by glutamic acid, an amino acid with similar properties. This amino acid position is conserved. In addition, this alteration is predicted to be deleterious by in silico analysis. Based on the available evidence, the clinical significance of this variant remains unclear.

AiLife Diagnostics
Classification: Uncertain significance. Last evaluated: 2022-01-27. Review status: criteria provided, single submitter. Criteria: ACMG Guidelines, 2015. Collection method: clinical testing. Allele origin: germline. Affected: yes. Observed: 1 variant allele.